The following is an entry in ClinVar:

NM_001384125.1(BLTP1):c.7867del (p.Arg2623fs)

Gene: BLTP1 (bridge-like lipid transfer protein family member 1; plus strand). Cytogenetic location: 4q27.
Variant type: Deletion.
Coding change: c.7867del on transcript NM_001384125.1 (MANE Select); coding-DNA position 7867, one base deleted (C; older notation c.7867delC).
Protein change: p.Arg2623fs; shifts the reading frame from arginine 2623.
Molecular consequence: frameshift variant.
Genome position (GRCh38, 1-based): chr4:122,271,391, C deleted; the last of 2 consecutive C bases (chr4:122,271,390-122,271,391); deleting either gives the same sequence. VCF-style (leftmost placement, unchanged base first): chr4-122271389-GC-G. GRCh37 (hg19) VCF-style: chr4-123192544-GC-G.
Other names: c.7867del, p.Arg2623fs (NM_015312.4); short protein forms R2623fs.
Identifiers: ClinVar variation 4531223 (VCV004531223.1).

ClinVar aggregate classification (germline): Likely pathogenic (1 of 4 stars; one submission).

Conditions:
Alkuraya-Kucinskas syndrome. Identifiers: Orphanet 610569, MedGen C4693347, MONDO:0060631, OMIM 617822.

Submission:

Juno Genomics, Hangzhou Juno Genomics, Inc
Classification: Likely pathogenic for Alkuraya-Kucinskas syndrome. Review status: criteria provided, single submitter. Criteria: ACMG Guidelines, 2015. Collection method: clinical testing. Allele origin: germline. Affected: yes.
Comment: Absent from controls (or at extremely low frequency if recessive) in Genome Aggregation Database, Exome Sequencing Project, 1000 Genomes Project, or Exome Aggregation Consortium.;Null variant in a gene where loss of function (LOF) is a known mechanism of disease.